The following is an entry in ClinVar:

NM_001039348.3(EFEMP1):c.*687T>C

Gene: EFEMP1 (EGF-like fibulin extracellular matrix protein 1; minus strand). Cytogenetic location: 2p16.1.
Variant type: single nucleotide variant.
Coding change: c.*687T>C on transcript NM_001039348.3 (MANE Select); 687 bases downstream of the stop codon, T replaced by C.
Molecular consequence: 3 prime UTR variant.
Genome position (GRCh38, 1-based): chr2:55,866,386, A>G on the plus strand (T>C on the coding strand, the complement: EFEMP1 is on the minus strand). VCF-style: chr2-55866386-A-G. GRCh37 (hg19) VCF-style: chr2-56093521-A-G.
Other names: c.*687T>C (NM_001039349.3).
Identifiers: ClinVar variation 336613 (VCV000336613.5), dbSNP rs138843899, ClinGen allele CA10614167.
Genomic context (GRCh38, chr2:55,866,386, plus strand): 5'-TCAGTTCCAATGTGGTTTAGAAGGAATTTATTTTCTCATATCCTCCCCATAGATTTCTCA[A>G]TAGTATAATTTTCTAGGGGATATCTGGTTCATTTTGGGAATTCTGGAAAATTTTGCTTAC-3'

ClinVar aggregate classification (germline): Benign (1 of 4 stars; one submission).

Conditions:
Doyne honeycomb retinal dystrophy (DHRD). Also called: DOYNE HONEYCOMB DEGENERATION OF RETINA; MALATTIA LEVENTINESE; DRUSEN, RADIAL, AUTOSOMAL DOMINANT. Identifiers: Orphanet 75376, MedGen C1832174, MONDO:0007471, OMIM 126600.

Allele frequency attached by ClinVar (database versions not stated): TOPMed 0.00073; gnomAD 0.00192 and 0.00204; 1000 Genomes Project 30x 0.00328; 1000 Genomes Project 0.00339.

Submission:

Illumina Laboratory Services, Illumina
Classification: Benign for Doyne honeycomb retinal dystrophy. Last evaluated: 2018-01-12. Review status: criteria provided, single submitter. Criteria: ICSL Variant Classification Criteria 13 December 2019. Collection method: clinical testing. Allele origin: germline.
Comment: This variant was observed in the ICSL laboratory as part of a predisposition screen in an ostensibly healthy population. It had not been previously curated by ICSL or reported in the Human Gene Mutation Database (HGMD: prior to June 1st, 2018), and was therefore a candidate for classification through an automated scoring system. Utilizing variant allele frequency, disease prevalence and penetrance estimates, and inheritance mode, an automated score was calculated to assess if this variant is too frequent to cause the disease. Based on the score and internal cut-off values, a variant classified as benign is not then subjected to further curation. The score for this variant resulted in a classification of benign for this disease.